The following is an entry in ClinVar:

NM_000482.4(APOA4):c.220G>A (p.Gly74Ser)

Gene: APOA4 (apolipoprotein A4; minus strand). Cytogenetic location: 11q23.3.
Variant type: single nucleotide variant.
Coding change: c.220G>A on transcript NM_000482.4 (MANE Select); coding-DNA position 220, G replaced by A.
Protein change: p.Gly74Ser; replaces glycine 74 with serine.
Molecular consequence: missense variant.
Genome position (GRCh38, 1-based): chr11:116,821,838, C>T on the plus strand (G>A on the coding strand, the complement: APOA4 is on the minus strand). VCF-style: chr11-116821838-C-T. GRCh37 (hg19) VCF-style: chr11-116692554-C-T.
Other names: short protein forms G74S.
Identifiers: ClinVar variation 3633210 (VCV003633210.2).

ClinVar aggregate classification (germline): Uncertain significance (1 of 4 stars; one submission).

gnomAD v4.1: 58 of 1,614,032 alleles (0.0036%); highest among the groups gnomAD compares: African/African-American, 0.072%; no homozygotes.

Submission:

Labcorp Genetics (formerly Invitae), Labcorp
Classification: Uncertain significance. Last evaluated: 2025-01-06. Review status: criteria provided, single submitter. Criteria: Invitae Variant Classification Sherloc (09022015). Collection method: clinical testing. Allele origin: germline.
Comment: This sequence change replaces glycine, which is neutral and non-polar, with serine, which is neutral and polar, at codon 74 of the APOA4 protein (p.Gly74Ser). This variant is present in population databases (rs5102, gnomAD 0.07%), and has an allele count higher than expected for a pathogenic variant. This missense change has been observed in individual(s) with dyslipidemia (PMID: 36325899). Invitae Evidence Modeling of protein sequence and biophysical properties (such as structural, functional, and spatial information, amino acid conservation, physicochemical variation, residue mobility, and thermodynamic stability) indicates that this missense variant is not expected to disrupt APOA4 protein function with a negative predictive value of 80%. In summary, the available evidence is currently insufficient to determine the role of this variant in disease. Therefore, it has been classified as a Variant of Uncertain Significance.

Literature cited by the submitters: PubMed 36325899.